The following is an entry in ClinVar:

ClinVar aggregate classification (germline): Benign. Review status: criteria provided, multiple submitters, no conflicts (2 of 4 stars). 6 submissions from 6 submitters: Benign (6). Last evaluated 2022-05-05.

Conditions:
Fructose-biphosphatase deficiency (FBP1D). Also called: Fructose 1,6 Bisphosphatase Deficiency; Fructose-1,6-Diphosphatase Deficiency; Fructose-1,6-Bisphosphatase 1 Deficiency. Identifiers: Orphanet 348, MedGen C0016756, MONDO:0009251, OMIM 229700.

Allele frequency attached by ClinVar (database versions not stated): gnomAD exomes 0.50226 and 0.51536; TOPMed 0.52927; ESP Exome Variant Server 0.50561; gnomAD 0.51105 and 0.51483; 1000 Genomes Project 0.48702; 1000 Genomes Project 30x 0.48985; ExAC 0.52444.
gnomAD v4.1: 808,253 of 1,603,824 alleles (50%); highest among the groups gnomAD compares: Admixed American, 68%; 206,469 homozygotes.

Submissions (6):

Mayo Clinic Laboratories, Mayo Clinic
Classification: Benign. Last evaluated: 2022-05-05. Review status: criteria provided, single submitter. Criteria: ACMG Guidelines, 2015. Collection method: clinical testing. Allele origin: germline. Observed: 574 variant alleles.

Genome-Nilou Lab
Classification: Benign for Fructose-biphosphatase deficiency. Last evaluated: 2021-08-10. Review status: criteria provided, single submitter. Criteria: ACMG Guidelines, 2015. Collection method: clinical testing. Allele origin: germline. Affected: no.

GeneDx
Classification: Benign. Last evaluated: 2018-06-29. Review status: criteria provided, single submitter. Criteria: GeneDx Variant Classification Process June 2021. Collection method: clinical testing. Allele origin: germline. Affected: yes.

Illumina Laboratory Services, Illumina
Classification: Benign for Fructose-biphosphatase deficiency. Last evaluated: 2018-01-12. Review status: criteria provided, single submitter. Criteria: ICSL Variant Classification Criteria 13 December 2019. Collection method: clinical testing. Allele origin: germline.
Comment: This variant was observed in the ICSL laboratory as part of a predisposition screen in an ostensibly healthy population. It had not been previously curated by ICSL or reported in the Human Gene Mutation Database (HGMD: prior to June 1st, 2018), and was therefore a candidate for classification through an automated scoring system. Utilizing variant allele frequency, disease prevalence and penetrance estimates, and inheritance mode, an automated score was calculated to assess if this variant is too frequent to cause the disease. Based on the score and internal cut-off values, a variant classified as benign is not then subjected to further curation. The score for this variant resulted in a classification of benign for this disease.

Breakthrough Genomics
Classification: Benign. Review status: criteria provided, single submitter. Criteria: ACMG Guidelines, 2015. Collection method: not provided. Allele origin: germline. Inheritance: Autosomal recessive inheritance. Affected: yes.

PreventionGenetics, part of Exact Sciences
Classification: Benign. Review status: criteria provided, single submitter. Criteria: ACMG Guidelines, 2015. Collection method: clinical testing. Allele origin: germline.

NM_000507.4(FBP1):c.*21C>T

Gene: FBP1 (fructose-bisphosphatase 1; minus strand). Cytogenetic location: 9q22.32.
Variant type: single nucleotide variant.
Coding change: c.*21C>T on transcript NM_000507.4 (MANE Select); 21 bases downstream of the stop codon, C replaced by T.
Molecular consequence: 3 prime UTR variant.
Genome position (GRCh38, 1-based): chr9:94,603,360, G>A on the plus strand (C>T on the coding strand, the complement: FBP1 is on the minus strand). VCF-style: chr9-94603360-G-A. GRCh37 (hg19) VCF-style: chr9-97365642-G-A.
Other names: c.*21C>T (NM_001127628.2).
Identifiers: ClinVar variation 256318 (VCV000256318.11), dbSNP rs9695, ClinGen allele CA5136044.